The following is an entry in ClinVar:

NM_004113.6(FGF12):c.14-47547G>A

Gene: FGF12 (fibroblast growth factor 12; minus strand). Cytogenetic location: 3q28.
Variant type: single nucleotide variant.
Coding change: c.14-47547G>A on transcript NM_004113.6 (MANE Select); 47547 bases into the intron before coding-DNA position 14, G replaced by A.
Molecular consequence: intron variant. On other transcripts: missense variant (1).
Genome position (GRCh38, 1-based): chr3:192,408,085, C>T on the plus strand (G>A on the coding strand, the complement: FGF12 is on the minus strand). VCF-style: chr3-192408085-C-T. GRCh37 (hg19) VCF-style: chr3-192125874-C-T.
Other names: c.139G>A, p.Gly47Arg (NM_021032.5); c.-59-47547G>A (NM_001377293.1); c.14-72621G>A (NM_001377292.1); c.-60+1427G>A (NM_001377294.1); short protein forms G47R.
Identifiers: ClinVar variation 2728293 (VCV002728293.3), dbSNP rs376550930, ClinGen allele CA355866655.
Genomic context (GRCh38, chr3:192,408,085, plus strand): 5'-CTGGTCTCCGCCTCACCGGCCTCTTGCGGCCGCTGCAGAAGCGCACTTTGCTGAACACCC[C>T]GAGGACGTGCCTCTCGCACAGGGAGCGCCCGTCTTTGCTGGGGCTGGAGCGGCGCTTGGA-3'

ClinVar aggregate classification (germline): Uncertain significance (1 of 4 stars; one submission).

gnomAD v4.1: 9 of 1,613,062 alleles (0.00056%); highest among the groups gnomAD compares: Admixed American, 0.0033%; no homozygotes.

Submission:

Labcorp Genetics (formerly Invitae), Labcorp
Classification: Uncertain significance. Last evaluated: 2024-12-07. Review status: criteria provided, single submitter. Criteria: Invitae Variant Classification Sherloc (09022015). Collection method: clinical testing. Allele origin: germline.
Comment: This sequence change replaces glycine, which is neutral and non-polar, with arginine, which is basic and polar, at codon 47 of the FGF12 protein (p.Gly47Arg). The frequency data for this variant in the population databases is considered unreliable, as metrics indicate poor data quality at this position in the gnomAD database. This variant has not been reported in the literature in individuals affected with FGF12-related conditions. ClinVar contains an entry for this variant (Variation ID: 2728293). An algorithm developed to predict the effect of missense changes on protein structure and function (PolyPhen-2) suggests that this variant is likely to be tolerated. In summary, the available evidence is currently insufficient to determine the role of this variant in disease. Therefore, it has been classified as a Variant of Uncertain Significance.